The following is an entry in ClinVar:

ClinVar aggregate classification (germline): Uncertain significance (1 of 4 stars; one submission).

Conditions:
Epidermodysplasia verruciformis. Identifiers: Orphanet 302, MedGen C0014522, MONDO:0009176.

Submission:

Labcorp Genetics (formerly Invitae), Labcorp
Classification: Uncertain significance for Epidermodysplasia verruciformis. Last evaluated: 2024-02-24. Review status: criteria provided, single submitter. Criteria: Invitae Variant Classification Sherloc (09022015). Collection method: clinical testing. Allele origin: germline.
Comment: This sequence change replaces glutamic acid, which is acidic and polar, with aspartic acid, which is acidic and polar, at codon 144 of the TMC6 protein (p.Glu144Asp). This variant is not present in population databases (gnomAD no frequency). This variant has not been reported in the literature in individuals affected with TMC6-related conditions. ClinVar contains an entry for this variant (Variation ID: 2074226). An algorithm developed to predict the effect of missense changes on protein structure and function (PolyPhen-2) suggests that this variant is likely to be tolerated. In summary, the available evidence is currently insufficient to determine the role of this variant in disease. Therefore, it has been classified as a Variant of Uncertain Significance.

NM_001127198.5(TMC6):c.432G>T (p.Glu144Asp)

Gene: TMC6 (transmembrane channel like 6; minus strand). Cytogenetic location: 17q25.3.
Variant type: single nucleotide variant.
Coding change: c.432G>T on transcript NM_001127198.5 (MANE Select); coding-DNA position 432, G replaced by T.
Protein change: p.Glu144Asp; replaces glutamic acid 144 with aspartic acid.
Molecular consequence: missense variant. On other transcripts: non-coding transcript variant (4).
Genome position (GRCh38, 1-based): chr17:78,125,262, C>A on the plus strand (G>T on the coding strand, the complement: TMC6 is on the minus strand). VCF-style: chr17-78125262-C-A. GRCh37 (hg19) VCF-style: chr17-76121343-C-A.
Other names: c.432G>T, p.Glu144Asp (NM_001321185.1, NM_001374593.1, NM_001374594.1 and 4 more transcripts); short protein forms E144D.
Identifiers: ClinVar variation 2074226 (VCV002074226.4), dbSNP rs2510662550, ClinGen allele CA401234310.